The following is an entry in ClinVar:

NM_021096.4(CACNA1I):c.2372G>C (p.Arg791Pro)

Gene: CACNA1I (calcium voltage-gated channel subunit alpha1 I; plus strand). Cytogenetic location: 22q13.1.
Variant type: single nucleotide variant.
Coding change: c.2372G>C on transcript NM_021096.4 (MANE Select); coding-DNA position 2372, G replaced by C.
Protein change: p.Arg791Pro; replaces arginine 791 with proline.
Molecular consequence: missense variant.
Genome position (GRCh38, 1-based): chr22:39,659,474, G>C. VCF-style: chr22-39659474-G-C. GRCh37 (hg19) VCF-style: chr22-40055479-G-C.
Other names: c.2267G>C, p.Arg756Pro (NM_001003406.2); short protein forms R756P, R791P.
Identifiers: ClinVar variation 5017518 (VCV005017518.1).

ClinVar aggregate classification (germline): Uncertain significance (1 of 4 stars; one submission).

Submission:

GeneDx
Classification: Uncertain significance. Last evaluated: 2026-03-26. Review status: criteria provided, single submitter. Criteria: GeneDx Variant Classification Process June 2021. Collection method: clinical testing. Allele origin: germline.
Comment: Not observed at significant frequency in large population cohorts (gnomAD); In silico analysis supports that this missense variant has a deleterious effect on protein structure/function; Has not been previously published as pathogenic or benign to our knowledge